The following is an entry in ClinVar:

ClinVar aggregate classification (germline): Conflicting classifications of pathogenicity. Review status: criteria provided, conflicting classifications (1 of 4 stars). 2 submissions from 2 submitters: Pathogenic (1); Uncertain significance (1). Last evaluated 2026-07-10.

Conditions:
Hereditary cancer-predisposing syndrome. Also called: Hereditary Cancer Syndrome; Neoplastic Syndromes, Hereditary; Hereditary neoplastic syndrome; Tumor predisposition. Identifiers: Orphanet 140162, MedGen C0027672, MeSH D009386, MONDO:0015356.
Cardiovascular phenotype. Identifiers: MedGen CN230736.
Neurofibromatosis, type 1 (NF1). Also called: Peripheral type neurofibromatosis; VON RECKLINGHAUSEN DISEASE; NEUROFIBROMATOSIS, TYPE I, SOMATIC; Neurofibromatosis, type I. Identifiers: Orphanet 636, MedGen C0027831, MONDO:0018975, OMIM 162200. Disease mechanism: loss of function.

Submissions (2):

Ambry Genetics
Classification: Uncertain significance for Cardiovascular phenotype; Hereditary cancer-predisposing syndrome. Last evaluated: 2026-07-10. Review status: criteria provided, single submitter. Criteria: Ambry Variant Classification Scheme 2023. Collection method: clinical testing. Allele origin: germline.
Comment: The p.S1282R variant (also known as c.3844A>C), located in coding exon 28 of the NF1 gene, results from an A to C substitution at nucleotide position 3844. The serine at codon 1282 is replaced by arginine, an amino acid with dissimilar properties. This variant was reported in individual(s) with features consistent with neurofibromatosis type 1 (NF1) (Zhu L et al. Medicine (Baltimore), 2016 Mar;95:e3043). Based on internal structural analysis, this variant is mildly destabilizing to the local structure (Ambry internal data). This amino acid position is highly conserved in available vertebrate species. In addition, this alteration is predicted to be deleterious by in silico analysis. Based on the available evidence, the clinical significance of this variant remains unclear.

Labcorp Genetics (formerly Invitae), Labcorp
Classification: Pathogenic for Neurofibromatosis, type 1. Last evaluated: 2021-07-26. Review status: criteria provided, single submitter. Criteria: Invitae Variant Classification Sherloc (09022015). Collection method: clinical testing. Allele origin: germline.
Comment: This variant is not present in population databases (ExAC no frequency). This sequence change replaces serine with arginine at codon 1282 of the NF1 protein (p.Ser1282Arg). The serine residue is moderately conserved and there is a moderate physicochemical difference between serine and arginine. This missense change has been observed in individual(s) with clinical features of NF1-Noonan syndrome and/or neurofibromatosis type 1 (PMID: 26962827; Invitae). In at least one individual the variant was observed to be de novo. For these reasons, this variant has been classified as Pathogenic. Advanced modeling of protein sequence and biophysical properties (such as structural, functional, and spatial information, amino acid conservation, physicochemical variation, residue mobility, and thermodynamic stability) performed at Invitae indicates that this missense variant is expected to disrupt NF1 protein function.

Literature cited by the submitters: PubMed 26962827 (cited by Ambry Genetics and Labcorp Genetics (formerly Invitae), Labcorp).

NM_001042492.3(NF1):c.3844A>C (p.Ser1282Arg)

Gene: NF1 (neurofibromin 1; plus strand). Cytogenetic location: 17q11.2.
Variant type: single nucleotide variant.
Coding change: c.3844A>C on transcript NM_001042492.3 (MANE Select); coding-DNA position 3844, A replaced by C.
Protein change: p.Ser1282Arg; replaces serine 1282 with arginine.
Molecular consequence: missense variant.
Genome position (GRCh38, 1-based): chr17:31,235,746, A>C. VCF-style: chr17-31235746-A-C. GRCh37 (hg19) VCF-style: chr17-29562764-A-C.
Other names: c.3844A>C, p.Ser1282Arg (NM_000267.4); short protein forms S1282R.
Identifiers: ClinVar variation 1428038 (VCV001428038.7), dbSNP rs2151438016, ClinGen allele CA398992819.